The following is an entry in ClinVar:

ClinVar aggregate classification (germline): Pathogenic/Likely pathogenic. Review status: criteria provided, multiple submitters, no conflicts (2 of 4 stars). 3 submissions from 3 submitters: Pathogenic (1); Likely pathogenic (2). Last evaluated 2026-01-27.

Conditions:
Ehlers-Danlos syndrome, type 4 (EDSVASC). Also called: Ehlers-Danlos syndrome vascular type; Ehlers Danlos syndrome, ecchymotic type; Ehlers Danlos syndrome, arterial type; Ehlers Danlos syndrome, Sack-Barabas type; Ehlers-Danlos Syndrome Type IV. Identifiers: Orphanet 286, MedGen C0268338, MONDO:0017314, OMIM 130050.
Familial thoracic aortic aneurysm and aortic dissection (TAAD). Also called: Thoracic aortic aneurysms and dissections. Identifiers: Orphanet 91387, MedGen C4707243, MONDO:0019625.

Submissions (3):

Labcorp Genetics (formerly Invitae), Labcorp
Classification: Pathogenic for Ehlers-Danlos syndrome, type 4. Last evaluated: 2026-01-27. Review status: criteria provided, single submitter. Criteria: Invitae Variant Classification Sherloc (09022015). Collection method: clinical testing. Allele origin: germline.
Comment: This sequence change replaces glycine, which is neutral and non-polar, with aspartic acid, which is acidic and polar, at codon 318 of the COL3A1 protein (p.Gly318Asp). This variant is not present in population databases (gnomAD no frequency). This missense change has been observed in individual(s) with vascular Ehlers-Danlos syndrome (PMID: 26497932). ClinVar contains an entry for this variant (Variation ID: 529315). Experimental studies and prediction algorithms are not available or were not evaluated, and the functional significance of this variant is currently unknown. This variant disrupts the triple helix domain of COL3A1. Glycine residues within the Gly-Xaa-Yaa repeats of the triple helix domain are required for the structure and stability of fibrillar collagens (PMID: 7695699, 8218237, 19344236). In COL3A1, variants that affect these glycine residues are significantly enriched in individuals with disease (PMID: 24922459, 25758994) compared to the general population (ExAC). For these reasons, this variant has been classified as Pathogenic.

Ambry Genetics
Classification: Likely pathogenic for Familial thoracic aortic aneurysm and aortic dissection. Last evaluated: 2024-10-09. Review status: criteria provided, single submitter. Criteria: Ambry Variant Classification Scheme 2023. Collection method: clinical testing. Allele origin: germline.
Comment: The p.G318D variant (also known as c.953G>A), located in coding exon 14 of the COL3A1 gene, results from a G to A substitution at nucleotide position 953. The glycine at codon 318 is replaced by aspartic acid, an amino acid with similar properties. The majority (approximately two-thirds) of COL3A1 mutations identified to date have involved the substitution of another amino acid for glycine within the triple-helical domain (Pepin MG et al. Genet Med. 2014;16(12):881-8; Frank M et al. Eur J Hum Genet. 2015;23(12):1657-64). This variant was identified in one or more individuals with features consistent with vascular Ehlers-Danlos syndrome and segregated with disease in at least one family (Makrygiannis G et al. Eur J Med Genet, 2015 Nov;58:634-6; Yagyu T et al. J Am Heart Assoc, 2023 Apr;12:e028625; Ambry internal data). Internal structural analysis indicates that this alteration disrupts the characteristic G-X-Y motif in the COL3A1 protein and inserts a bulky side chain into a sterically-constrained region (Bella J et al. Science. 1994;266:75-81; Hohenester E et al. Proc. Natl. Acad. Sci. U.S.A. 2008;105:18273-7; Ambry internal data). This variant is considered to be rare based on population cohorts in the Genome Aggregation Database (gnomAD). This amino acid position is highly conserved in available vertebrate species. In addition, this alteration is predicted to be deleterious by in silico analysis. Based on the majority of available evidence to date, this variant is likely to be pathogenic.

Baylor Genetics
Classification: Likely pathogenic for Ehlers-Danlos syndrome, type 4. Last evaluated: 2022-10-18. Review status: criteria provided, single submitter. Criteria: ACMG Guidelines, 2015. Collection method: clinical testing. Allele origin: unknown.

Literature cited by the submitters: PubMed 26497932 (cited by Labcorp Genetics (formerly Invitae), Labcorp and Ambry Genetics); PubMed 7695699 (cited by Labcorp Genetics (formerly Invitae), Labcorp); PubMed 8218237 (cited by Labcorp Genetics (formerly Invitae), Labcorp); PubMed 19344236 (cited by Labcorp Genetics (formerly Invitae), Labcorp); PubMed 24922459 (cited by Labcorp Genetics (formerly Invitae), Labcorp); PubMed 25758994 (cited by Labcorp Genetics (formerly Invitae), Labcorp); PubMed 37042257 (cited by Ambry Genetics).

NM_000090.4(COL3A1):c.953G>A (p.Gly318Asp)

Gene: COL3A1 (collagen type III alpha 1 chain; plus strand). Cytogenetic location: 2q32.2.
Variant type: single nucleotide variant.
Coding change: c.953G>A on transcript NM_000090.4 (MANE Select); coding-DNA position 953, G replaced by A.
Protein change: p.Gly318Asp; replaces glycine 318 with aspartic acid.
Molecular consequence: missense variant.
Genome position (GRCh38, 1-based): chr2:188,992,185, G>A. VCF-style: chr2-188992185-G-A. GRCh37 (hg19) VCF-style: chr2-189856911-G-A.
Other names: short protein forms G318D.
Identifiers: ClinVar variation 529315 (VCV000529315.10), dbSNP rs1553507614, ClinGen allele CA349850075.